The following is an entry in ClinVar:

NM_000266.4(NDP):c.174+1G>A

Genes: NDP (norrin cystine knot growth factor NDP; minus strand), NDP-AS1 (NDP antisense RNA 1; plus strand). Cytogenetic location: Xp11.3.
Variant type: single nucleotide variant.
Coding change: c.174+1G>A on transcript NM_000266.4 (MANE Select); the canonical splice donor site of the intron after coding-DNA position 174, G replaced by A.
Molecular consequence: splice donor variant.
Genome position (GRCh38, 1-based): chrX:43,958,471, C>T on the plus strand (G>A on the coding strand, the complement: NDP is on the minus strand). VCF-style: chrX-43958471-C-T. GRCh37 (hg19) VCF-style: chrX-43817717-C-T.
Identifiers: ClinVar variation 2021859 (VCV002021859.4), dbSNP rs2519320420, ClinGen allele CA413008937.
Genomic context (GRCh38, chrX:43,958,471, plus strand): 5'-AAATATGGCTTCTTGCCTGTTTCTGAGGGAAATGCTCTCCTCACAGAGACCTTGGTCTTA[C>T]CTTTGAGCTACACTTGTACAATGGGTGACTGATAGAATCCACATAGTGGTGCCTCATGCA-3'

ClinVar aggregate classification (germline): Pathogenic (1 of 4 stars; one submission).

Submission:

Labcorp Genetics (formerly Invitae), Labcorp
Classification: Pathogenic. Last evaluated: 2022-08-05. Review status: criteria provided, single submitter. Criteria: Invitae Variant Classification Sherloc (09022015). Collection method: clinical testing. Allele origin: germline.
Comment: This sequence change affects a donor splice site in intron 2 of the NDP gene. While this variant is not anticipated to result in nonsense mediated decay, it likely alters RNA splicing and results in a disrupted protein product. For these reasons, this variant has been classified as Pathogenic. This variant disrupts a region of the NDP protein in which other variant(s) (p.Arg74Cys) have been determined to be pathogenic (PMID: 1307245, 15776010, 22563645, 23141577). This suggests that this is a clinically significant region of the protein, and that variants that disrupt it are likely to be disease-causing. Variants that disrupt the consensus splice site are a relatively common cause of aberrant splicing (PMID: 17576681, 9536098). Algorithms developed to predict the effect of sequence changes on RNA splicing suggest that this variant may disrupt the consensus splice site. Disruption of this splice site has been observed in individual(s) with Norrie disease (PMID: 8807344). This variant is not present in population databases (gnomAD no frequency).

Literature cited by the submitters: PubMed 1307245; PubMed 15776010; PubMed 22563645; PubMed 23141577; PubMed 17576681; PubMed 9536098; PubMed 8807344.